The following is an entry in ClinVar:

NM_000038.6(APC):c.7701_7702del (p.Gly2568fs)

Gene: APC (APC regulator of Wnt signaling pathway; plus strand). Cytogenetic location: 5q22.2.
Variant type: Deletion.
Coding change: c.7701_7702del on transcript NM_000038.6 (MANE Select); coding-DNA positions 7701 to 7702, 2 bases deleted (TG; older notation c.7701_7702delTG).
Protein change: p.Gly2568fs; shifts the reading frame from glycine 2568.
Molecular consequence: frameshift variant.
Genome position (GRCh38, 1-based): chr5:112,843,295-112,843,296, TG deleted. VCF-style (leftmost placement, unchanged base first): chr5-112843294-CTG-C. GRCh37 (hg19) VCF-style: chr5-112178991-CTG-C.
Other names: c.7701_7702delTG (NM_000038.5); c.7701_7702del, p.Gly2568fs (NM_001127510.3, NM_001354895.2); c.7647_7648del, p.Gly2550fs (NM_001127511.3); c.7755_7756del, p.Gly2586fs (NM_001354896.2); c.7731_7732del, p.Gly2578fs (NM_001354897.2); c.7626_7627del, p.Gly2543fs (NM_001354898.2); c.7617_7618del, p.Gly2540fs (NM_001354899.2); c.7578_7579del, p.Gly2527fs (NM_001354900.2); and 17 more; short protein forms G2285fs, G2408fs, G2442fs, G2467fs, G2477fs, G2509fs, G2527fs, G2540fs.
Identifiers: ClinVar variation 2445756 (VCV002445756.1), dbSNP rs2533813575, ClinGen allele CA2580072400.

ClinVar aggregate classification (germline): Likely pathogenic (1 of 4 stars; one submission).

Conditions:
Familial multiple polyposis syndrome (FAP). Also called: Familial polyposis; Familial adenomatous polyposis; Familial intestinal polyposis; Classic familial adenomatous polyposis; Familial Adenomatous Polyposis (FAP). Identifiers: Orphanet 733, MedGen C0032580, MONDO:0021055. Disease mechanism: loss of function.

Submission:

Women's Health and Genetics/Laboratory Corporation of America, LabCorp
Classification: Likely pathogenic for Familial multiple polyposis syndrome. Last evaluated: 2023-02-09. Review status: criteria provided, single submitter. Criteria: LabCorp Variant Classification Summary - May 2015. Collection method: clinical testing. Allele origin: germline.
Comment: Variant summary: APC c.7701_7702delTG (p.Gly2568LysfsX14), located in the last exon, results in a premature termination codon and is predicted to cause a truncation of the encoded protein. Although the variant is not expected to result in nonsense mediated decay, it disrupts the EB-1 binding domain (IPR009232). Truncations downstream of this position have been classified as pathogenic in ClinVar and have been associated with Familial Adenomatous Polyposis in the HGMD database. The variant was absent in 250814 control chromosomes (gnomAD). To our knowledge, no occurrence of c.7701_7702delTG in individuals affected with Familial Adenomatous Polyposis or other APC-related conditions and no experimental evidence demonstrating its impact on protein function have been reported. No clinical diagnostic laboratories have submitted clinical-significance assessments for this variant to ClinVar after 2014. Based on the evidence outlined above, the variant was classified as likely pathogenic.